The following is an entry in ClinVar:

NM_024678.6(NARS2):c.252-6C>G

Gene: NARS2 (asparaginyl-tRNA synthetase 2, mitochondrial; minus strand). Cytogenetic location: 11q14.1.
Variant type: single nucleotide variant.
Coding change: c.252-6C>G on transcript NM_024678.6 (MANE Select); 6 bases into the intron before coding-DNA position 252, C replaced by G.
Molecular consequence: intron variant.
Genome position (GRCh38, 1-based): chr11:78,568,758, G>C on the plus strand (C>G on the coding strand, the complement: NARS2 is on the minus strand). VCF-style: chr11-78568758-G-C. GRCh37 (hg19) VCF-style: chr11-78279804-G-C.
Other names: c.-430-6C>G (NM_001243251.2).
Identifiers: ClinVar variation 1938577 (VCV001938577.5), dbSNP rs1195368219, ClinGen allele CA2580084994.

ClinVar aggregate classification (germline): Uncertain significance (1 of 4 stars; one submission).

Submission:

Labcorp Genetics (formerly Invitae), Labcorp
Classification: Uncertain significance. Last evaluated: 2022-03-29. Review status: criteria provided, single submitter. Criteria: Invitae Variant Classification Sherloc (09022015). Collection method: clinical testing. Allele origin: germline.
Comment: In summary, the available evidence is currently insufficient to determine the role of this variant in disease. Therefore, it has been classified as a Variant of Uncertain Significance. Algorithms developed to predict the effect of sequence changes on RNA splicing suggest that this variant may create or strengthen a splice site. This variant has not been reported in the literature in individuals affected with NARS2-related conditions. This variant is not present in population databases (gnomAD no frequency). This sequence change falls in intron 2 of the NARS2 gene. It does not directly change the encoded amino acid sequence of the NARS2 protein.